The following is an entry in ClinVar:

ClinVar aggregate classification (germline): Uncertain significance (1 of 4 stars; one submission).

Conditions:
Aortic aneurysm, familial thoracic 7 (AAT7). Also called: AORTIC DISSECTION, FAMILIAL, WITH OR WITHOUT AORTIC ANEURYSM. Identifiers: MedGen C3151077, MONDO:0013418, OMIM 613780.

gnomAD v4.1: 1 of 1,614,122 alleles (0.000062%); highest among the groups gnomAD compares: Non-Finnish European, 0.000085%; no homozygotes.

Submission:

Labcorp Genetics (formerly Invitae), Labcorp
Classification: Uncertain significance for Aortic aneurysm, familial thoracic 7. Last evaluated: 2025-01-22. Review status: criteria provided, single submitter. Criteria: Invitae Variant Classification Sherloc (09022015). Collection method: clinical testing. Allele origin: germline.
Comment: This sequence change replaces glutamic acid, which is acidic and polar, with lysine, which is basic and polar, at codon 1559 of the MYLK protein (p.Glu1559Lys). This variant is not present in population databases (gnomAD no frequency). This variant has not been reported in the literature in individuals affected with MYLK-related conditions. Invitae Evidence Modeling of protein sequence and biophysical properties (such as structural, functional, and spatial information, amino acid conservation, physicochemical variation, residue mobility, and thermodynamic stability) indicates that this missense variant is not expected to disrupt MYLK protein function with a negative predictive value of 80%. In summary, the available evidence is currently insufficient to determine the role of this variant in disease. Therefore, it has been classified as a Variant of Uncertain Significance.

NM_053025.4(MYLK):c.4675G>A (p.Glu1559Lys)

Gene: MYLK (myosin light chain kinase; minus strand). Cytogenetic location: 3q21.1.
Variant type: single nucleotide variant.
Coding change: c.4675G>A on transcript NM_053025.4 (MANE Select); coding-DNA position 4675, G replaced by A.
Protein change: p.Glu1559Lys; replaces glutamic acid 1559 with lysine.
Molecular consequence: missense variant.
Genome position (GRCh38, 1-based): chr3:123,640,449, C>T on the plus strand (G>A on the coding strand, the complement: MYLK is on the minus strand). VCF-style: chr3-123640449-C-T. GRCh37 (hg19) VCF-style: chr3-123359296-C-T.
Other names: c.4147G>A, p.Glu1383Lys (NM_001321309.2); c.4468G>A, p.Glu1490Lys (NM_053026.4, NM_053028.4); c.4675G>A, p.Glu1559Lys (NM_053027.4); short protein forms E1490K, E1383K, E1559K.
Identifiers: ClinVar variation 3710755 (VCV003710755.2).